The following is an entry in ClinVar:

NM_001035235.4(SRA1):c.382C>T (p.Arg128Cys)

Gene: SRA1 (steroid receptor RNA activator 1; minus strand). Cytogenetic location: 5q31.3.
Variant type: single nucleotide variant.
Coding change: c.382C>T on transcript NM_001035235.4 (MANE Select); coding-DNA position 382, C replaced by T.
Protein change: p.Arg128Cys; replaces arginine 128 with cysteine.
Molecular consequence: missense variant. On other transcripts: non-coding transcript variant (2).
Genome position (GRCh38, 1-based): chr5:140,551,142, G>A on the plus strand (C>T on the coding strand, the complement: SRA1 is on the minus strand). VCF-style: chr5-140551142-G-A. GRCh37 (hg19) VCF-style: chr5-139930727-G-A.
Other names: c.334C>T, p.Arg112Cys (NM_001253764.2); short protein forms R128C, R112C.
Identifiers: ClinVar variation 3698630 (VCV003698630.2).

ClinVar aggregate classification (germline): Uncertain significance (1 of 4 stars; one submission).

gnomAD v4.1: 25 of 1,613,962 alleles (0.0015%); highest among the groups gnomAD compares: South Asian, 0.0033%; no homozygotes.

Submission:

Labcorp Genetics (formerly Invitae), Labcorp
Classification: Uncertain significance. Last evaluated: 2024-11-13. Review status: criteria provided, single submitter. Criteria: Invitae Variant Classification Sherloc (09022015). Collection method: clinical testing. Allele origin: germline.
Comment: This sequence change replaces arginine, which is basic and polar, with cysteine, which is neutral and slightly polar, at codon 140 of the SRA1 protein (p.Arg140Cys). This variant is present in population databases (rs754090733, gnomAD 0.006%). This variant has not been reported in the literature in individuals affected with SRA1-related conditions. An algorithm developed to predict the effect of missense changes on protein structure and function (PolyPhen-2) suggests that this variant is likely to be disruptive. In summary, the available evidence is currently insufficient to determine the role of this variant in disease. Therefore, it has been classified as a Variant of Uncertain Significance.